The following is an entry in ClinVar:

NM_032638.5(GATA2):c.799C>G (p.Pro267Ala)

Gene: GATA2 (GATA binding protein 2; minus strand). Cytogenetic location: 3q21.3.
Variant type: single nucleotide variant.
Coding change: c.799C>G on transcript NM_032638.5 (MANE Select); coding-DNA position 799, C replaced by G.
Protein change: p.Pro267Ala; replaces proline 267 with alanine.
Molecular consequence: missense variant.
Genome position (GRCh38, 1-based): chr3:128,485,799, G>C on the plus strand (C>G on the coding strand, the complement: GATA2 is on the minus strand). VCF-style: chr3-128485799-G-C. GRCh37 (hg19) VCF-style: chr3-128204642-G-C.
Other names: c.799C>G, p.Pro267Ala (NM_001145661.2, NM_001145662.1); short protein forms P267A.
Identifiers: ClinVar variation 4620617 (VCV004620617.1).

ClinVar aggregate classification (germline): Uncertain significance (1 of 4 stars; one submission).

Conditions:
Inborn genetic diseases. Identifiers: MedGen C0950123, MeSH D030342.

Submission:

Ambry Genetics
Classification: Uncertain significance for Inborn genetic diseases. Last evaluated: 2025-09-19. Review status: criteria provided, single submitter. Criteria: Ambry Variant Classification Scheme 2023. Collection method: clinical testing. Allele origin: germline.
Comment: The p.P267A variant (also known as c.799C>G), located in coding exon 2 of the GATA2 gene, results from a C to G substitution at nucleotide position 799. The proline at codon 267 is replaced by alanine, an amino acid with highly similar properties. This amino acid position is conserved. In addition, this alteration is predicted to be deleterious by in silico analysis. Based on the available evidence, the clinical significance of this variant remains unclear.